The following is an entry in ClinVar:

NM_006922.4(SCN3A):c.4928C>T (p.Thr1643Met)

Gene: SCN3A (sodium voltage-gated channel alpha subunit 3; minus strand). Cytogenetic location: 2q24.3.
Variant type: single nucleotide variant.
Coding change: c.4928C>T on transcript NM_006922.4 (MANE Select); coding-DNA position 4928, C replaced by T.
Protein change: p.Thr1643Met; replaces threonine 1643 with methionine.
Molecular consequence: missense variant.
Genome position (GRCh38, 1-based): chr2:165,091,225, G>A on the plus strand (C>T on the coding strand, the complement: SCN3A is on the minus strand). VCF-style: chr2-165091225-G-A. GRCh37 (hg19) VCF-style: chr2-165947735-G-A.
Other names: c.4781C>T, p.Thr1594Met (NM_001081676.2, NM_001081677.2); short protein forms T1643M, T1594M.
Identifiers: ClinVar variation 3703905 (VCV003703905.2).

ClinVar aggregate classification (germline): Uncertain significance (1 of 4 stars; one submission).

gnomAD v4.1: 1 of 1,614,108 alleles (0.000062%); highest among the groups gnomAD compares: Non-Finnish European, 0.000085%; no homozygotes.

Submission:

Labcorp Genetics (formerly Invitae), Labcorp
Classification: Uncertain significance. Last evaluated: 2024-10-28. Review status: criteria provided, single submitter. Criteria: Invitae Variant Classification Sherloc (09022015). Collection method: clinical testing. Allele origin: germline.
Comment: This sequence change replaces threonine, which is neutral and polar, with methionine, which is neutral and non-polar, at codon 1643 of the SCN3A protein (p.Thr1643Met). The frequency data for this variant in the population databases is considered unreliable, as metrics indicate poor data quality at this position in the gnomAD database. This variant has not been reported in the literature in individuals affected with SCN3A-related conditions. Invitae Evidence Modeling of protein sequence and biophysical properties (such as structural, functional, and spatial information, amino acid conservation, physicochemical variation, residue mobility, and thermodynamic stability) indicates that this missense variant is expected to disrupt SCN3A protein function with a positive predictive value of 95%. In summary, the available evidence is currently insufficient to determine the role of this variant in disease. Therefore, it has been classified as a Variant of Uncertain Significance.